The following is an entry in ClinVar:

ClinVar aggregate classification (germline): Pathogenic (1 of 4 stars; one submission).

Submission:

Labcorp Genetics (formerly Invitae), Labcorp
Classification: Pathogenic. Last evaluated: 2025-03-19. Review status: criteria provided, single submitter. Criteria: Invitae Variant Classification Sherloc (09022015). Collection method: clinical testing. Allele origin: germline.
Comment: This sequence change creates a premature translational stop signal (p.Arg402*) in the ASXL1 gene. It is expected to result in an absent or disrupted protein product. Loss-of-function variants in ASXL1 are known to be pathogenic (PMID: 21706002). This variant is not present in population databases (gnomAD no frequency). This variant has not been reported in the literature in individuals affected with ASXL1-related conditions. For these reasons, this variant has been classified as Pathogenic.

Literature cited by the submitters: PubMed 21706002.

NM_015338.6(ASXL1):c.1204C>T (p.Arg402Ter)

Gene: ASXL1 (ASXL transcriptional regulator 1; plus strand). Cytogenetic location: 20q11.21.
Variant type: single nucleotide variant.
Coding change: c.1204C>T on transcript NM_015338.6 (MANE Select); coding-DNA position 1204, C replaced by T.
Protein change: p.Arg402Ter; replaces arginine 402 with a stop codon.
Molecular consequence: nonsense.
Genome position (GRCh38, 1-based): chr20:32,433,402, C>T. VCF-style: chr20-32433402-C-T. GRCh37 (hg19) VCF-style: chr20-31021205-C-T.
Other names: c.1021C>T, p.Arg341Ter (NM_001363734.1); short protein forms R341*, R402*.
Identifiers: ClinVar variation 4715446 (VCV004715446.1).
Genomic context (GRCh38, chr20:32,433,402, plus strand): 5'-ATCAAAAGTGGCTTGTGTGTCCCAGGAGAATCAGTGCGTATACAGCGTGGTCCAGCCACC[C>T]GACAGCGAGATGGGCATTTTAAGAAACGCTCTCGGCCAGATCTCCGAACCAGAGCCAGAA-3'